The following is an entry in ClinVar:

ClinVar aggregate classification (germline): Uncertain significance (1 of 4 stars; one submission).

Conditions:
Inborn genetic diseases. Identifiers: MedGen C0950123, MeSH D030342.

gnomAD v4.1: 1 of 1,422,012 alleles (0.00007%); highest among the groups gnomAD compares: South Asian, 0.0015%; no homozygotes.

Submission:

Ambry Genetics
Classification: Uncertain significance for Inborn genetic diseases. Last evaluated: 2025-12-18. Review status: criteria provided, single submitter. Criteria: Ambry Variant Classification Scheme 2023. Collection method: clinical testing. Allele origin: germline.
Comment: The p.A8S variant (also known as c.22G>T), located in coding exon 1 of the KDM1A gene, results from a G to T substitution at nucleotide position 22. The alanine at codon 8 is replaced by serine, an amino acid with similar properties. This amino acid position is conserved. In addition, this alteration is predicted to be tolerated by in silico analysis. Based on the available evidence, the clinical significance of this variant remains unclear.

NM_001009999.3(KDM1A):c.22G>T (p.Ala8Ser)

Gene: KDM1A (lysine demethylase 1A; plus strand). Cytogenetic location: 1p36.12.
Variant type: single nucleotide variant.
Coding change: c.22G>T on transcript NM_001009999.3 (MANE Select); coding-DNA position 22, G replaced by T.
Protein change: p.Ala8Ser; replaces alanine 8 with serine.
Molecular consequence: missense variant.
Genome position (GRCh38, 1-based): chr1:23,019,618, G>T. VCF-style: chr1-23019618-G-T. GRCh37 (hg19) VCF-style: chr1-23346111-G-T.
Other names: c.22G>T, p.Ala8Ser (NM_001363654.2, NM_001410762.1, NM_001410763.1 and 1 more transcripts); short protein forms A8S.
Identifiers: ClinVar variation 4841902 (VCV004841902.1).